The following is an entry in ClinVar:

NM_201253.3(CRB1):c.3774_3777del (p.Cys1259fs)

Gene: CRB1 (crumbs cell polarity complex component 1; plus strand). Cytogenetic location: 1q31.3.
Variant type: Deletion.
Coding change: c.3774_3777del on transcript NM_201253.3 (MANE Select); coding-DNA positions 3774 to 3777, 4 bases deleted (CTGT; older notation c.3774_3777delCTGT).
Protein change: p.Cys1259fs; shifts the reading frame from cysteine 1259.
Molecular consequence: frameshift variant. On other transcripts: non-coding transcript variant (2).
Genome position (GRCh38, 1-based): chr1:197,438,571-197,438,574, CTGT deleted; deleting any 4 consecutive bases within chr1:197,438,569-197,438,574 gives the same sequence; the c. name uses the placement nearest the transcript's 3' end. VCF-style (leftmost placement, unchanged base first): chr1-197438568-AGTCT-A. GRCh37 (hg19) VCF-style: chr1-197407698-AGTCT-A.
Other names: c.2166_2169del, p.Cys723fs (NM_001257966.2); c.3438_3441del, p.Cys1147fs (NM_001193640.2); c.3702_3705del, p.Cys1235fs (NM_001257965.2); short protein forms C1147fs, C1235fs, C1259fs, C723fs.
Identifiers: ClinVar variation 4817060 (VCV004817060.1).

ClinVar aggregate classification (germline): Likely pathogenic (1 of 4 stars; one submission).

Conditions:
Leber congenital amaurosis (LCA). Also called: Leber's amaurosis. Identifiers: Orphanet 65, MedGen C0339527, MeSH D057130, MONDO:0018998.

Submission:

Natera, Inc.
Classification: Likely pathogenic for Leber congenital amaurosis. Last evaluated: 2024-11-14. Review status: criteria provided, single submitter. Criteria: Natera Variant Classification Schema (03/2026). Collection method: clinical testing. Allele origin: germline.
Comment: The c.3774_3777del variant in CRB1 is a frameshift variant predicted to shift the reading frame beginning at codon 1259 and leads to a stop codon 22 codons downstream. This variant is expected to result in nonsense mediated decay, truncation, or a dysfunctional protein product. This variant is rare in the general population with a frequency below the threshold expected for the associated phenotype(s). Given the available evidence, this variant is classified as Likely Pathogenic.